The following is an entry in ClinVar:

NM_001283009.2(RTEL1):c.2372G>T (p.Ser791Ile)

Genes: RTEL1 (regulator of telomere elongation helicase 1; plus strand), RTEL1-TNFRSF6B (RTEL1-TNFRSF6B readthrough (NMD candidate); plus strand). Cytogenetic location: 20q13.33.
Variant type: single nucleotide variant.
Coding change: c.2372G>T on transcript NM_001283009.2 (MANE Select); coding-DNA position 2372, G replaced by T.
Protein change: p.Ser791Ile; replaces serine 791 with isoleucine.
Molecular consequence: missense variant. On other transcripts: non-coding transcript variant (1).
Genome position (GRCh38, 1-based): chr20:63,690,400, G>T. VCF-style: chr20-63690400-G-T. GRCh37 (hg19) VCF-style: chr20-62321753-G-T.
Other names: c.1703G>T, p.Ser568Ile (NM_001283010.1); c.2372G>T, p.Ser791Ile (NM_016434.4); c.2444G>T, p.Ser815Ile (NM_032957.5); short protein forms S568I, S791I, S815I.
Identifiers: ClinVar variation 4863526 (VCV004863526.1).

ClinVar aggregate classification (germline): Uncertain significance (1 of 4 stars; one submission).

Conditions:
Inborn genetic diseases. Identifiers: MedGen C0950123, MeSH D030342.

Submission:

Ambry Genetics
Classification: Uncertain significance for Inborn genetic diseases. Last evaluated: 2026-03-25. Review status: criteria provided, single submitter. Criteria: Ambry Variant Classification Scheme 2023. Collection method: clinical testing. Allele origin: germline.
Comment: The p.S791I variant (also known as c.2372G>T), located in coding exon 25 of the RTEL1 gene, results from a G to T substitution at nucleotide position 2372. The serine at codon 791 is replaced by isoleucine, an amino acid with dissimilar properties. This amino acid position is conserved. In addition, this alteration is predicted to be tolerated by in silico analysis. Based on the available evidence, the clinical significance of this variant remains unclear.